The following is an entry in ClinVar:

ClinVar aggregate classification (germline): Likely benign. Review status: criteria provided, multiple submitters, no conflicts (2 of 4 stars). 2 submissions from 2 submitters: Likely benign (2). Last evaluated 2026-02-04.

Submissions (2):

Labcorp Genetics (formerly Invitae), Labcorp
Classification: Likely benign. Last evaluated: 2026-02-04. Review status: criteria provided, single submitter. Criteria: Invitae Variant Classification Sherloc (09022015). Collection method: clinical testing. Allele origin: germline.

Women's Health and Genetics/Laboratory Corporation of America, LabCorp
Classification: Likely benign. Last evaluated: 2026-01-22. Review status: criteria provided, single submitter. Criteria: LabCorp Variant Classification Summary - May 2015. Collection method: clinical testing. Allele origin: germline.
Comment: Variant summary: SRP54 c.1327+15_1327+32del18 alters a nucleotide located at a position not widely known to affect splicing. Consensus agreement among computation tools predict no significant impact on normal splicing. However, these predictions have yet to be confirmed by functional studies. The variant was absent in 219232 control chromosomes. The available data on variant occurrences in the general population are insufficient to allow any conclusion about variant significance. To our knowledge, no occurrence of c.1327+15_1327+32del18 in individuals affected with SRP54-related conditions and no experimental evidence demonstrating its impact on protein function have been reported. ClinVar contains an entry for this variant (Variation ID: 1111423). Based on the evidence outlined above, the variant was classified as likely benign.

NM_003136.4(SRP54):c.1327+15_1327+32del

Gene: SRP54 (signal recognition particle 54; plus strand). Cytogenetic location: 14q13.2.
Variant type: Deletion.
Coding change: c.1327+15_1327+32del on transcript NM_003136.4 (MANE Select); bases 15 to 32 of the intron after coding-DNA position 1327, 18 bases deleted (CTTGTTATTAGTTAACAG).
Molecular consequence: intron variant.
Genome position (GRCh38, 1-based): chr14:35,023,095-35,023,112, CTTGTTATTAGTTAACAG deleted; deleting any 18 consecutive bases within chr14:35,023,093-35,023,112 gives the same sequence; the c. name uses the placement nearest the transcript's 3' end. VCF-style (leftmost placement, unchanged base first): chr14-35023092-AAGCTTGTTATTAGTTAAC-A. GRCh37 (hg19) VCF-style: chr14-35492298-AAGCTTGTTATTAGTTAAC-A.
Other names: c.1180+15_1180+32del (NM_001146282.2); c.1327+15_1327+32del18 (NM_003136.4).
Identifiers: ClinVar variation 1111423 (VCV001111423.10), dbSNP rs150905407, ClinGen allele CA258825135.